The following is an entry in ClinVar:

ClinVar aggregate classification (germline): Pathogenic. Review status: criteria provided, multiple submitters, no conflicts (2 of 4 stars). 3 submissions from 3 submitters: Pathogenic (3). Last evaluated 2025-10-31.

Conditions:
Primary ciliary dyskinesia 3. Identifiers: Orphanet 244, MedGen C1837618, MONDO:0012085, OMIM 608644.
Primary ciliary dyskinesia. Also called: Ciliary dyskinesia. Identifiers: Orphanet 244, MedGen C0008780, MONDO:0016575, HP:0012265.

Submissions (3):

3billion
Classification: Pathogenic for Primary ciliary dyskinesia 3. Last evaluated: 2025-10-31. Review status: criteria provided, single submitter. Criteria: ACMG Guidelines, 2015. Collection method: clinical testing. Allele origin: germline. Affected: yes.
Comment: The variant is not observed in the gnomAD v4.1.0 dataset. Predicted Consequence/Location: Stop-gained (nonsense): predicted to result in a loss or disruption of normal protein function through nonsense-mediated decay (NMD) or protein truncation. Multiple pathogenic variants are reported downstream of the variant. The variant has been reported to be associated with DNAH5-related disorder (ClinVar ID: VCV000642659). Therefore, this variant is classified as Pathogenic according to the recommendation of ACMG/AMP guideline.

Myriad Genetics, Inc.
Classification: Pathogenic for Primary ciliary dyskinesia 3. Last evaluated: 2024-05-08. Review status: criteria provided, single submitter. Criteria: Myriad Autosomal Dominant, Autosomal Recessive and X-Linked Classification Criteria (2023). Collection method: clinical testing. Allele origin: unknown.
Comment: NM_001369.2(DNAH5):c.1915C>T(Q639*) is expected to be pathogenic in the context of primary ciliary dyskinesia, DNAH5-related. This variant is predicted to lead to an abnormal or absent protein product due to the creation of a premature termination codon in DNAH5, a gene where loss-of-function variants are known to be pathogenic. Please note: this variant was assessed in the context of healthy population screening.

Labcorp Genetics (formerly Invitae), Labcorp
Classification: Pathogenic for Primary ciliary dyskinesia. Last evaluated: 2018-09-13. Review status: criteria provided, single submitter. Criteria: Invitae Variant Classification Sherloc (09022015). Collection method: clinical testing. Allele origin: germline.
Comment: For these reasons, this variant has been classified as Pathogenic. Loss-of-function variants in DNAH5 are known to be pathogenic (PMID: 11788826, 16627867). This variant has not been reported in the literature in individuals with DNAH5-related disease. This variant is not present in population databases (ExAC no frequency). This sequence change creates a premature translational stop signal (p.Gln639*) in the DNAH5 gene. It is expected to result in an absent or disrupted protein product.

Literature cited by the submitters: PubMed 11788826 (cited by Labcorp Genetics (formerly Invitae), Labcorp); PubMed 16627867 (cited by Labcorp Genetics (formerly Invitae), Labcorp).

NM_001369.3(DNAH5):c.1915C>T (p.Gln639Ter)

Gene: DNAH5 (dynein axonemal heavy chain 5; minus strand). Cytogenetic location: 5p15.2.
Variant type: single nucleotide variant.
Coding change: c.1915C>T on transcript NM_001369.3 (MANE Select); coding-DNA position 1915, C replaced by T.
Protein change: p.Gln639Ter; replaces glutamine 639 with a stop codon.
Molecular consequence: nonsense.
Genome position (GRCh38, 1-based): chr5:13,901,389, G>A on the plus strand (C>T on the coding strand, the complement: DNAH5 is on the minus strand). VCF-style: chr5-13901389-G-A. GRCh37 (hg19) VCF-style: chr5-13901498-G-A.
Other names: short protein forms Q639*.
Identifiers: ClinVar variation 642659 (VCV000642659.9), dbSNP rs1580809557, ClinGen allele CA359205483.